The following is an entry in ClinVar:

ClinVar aggregate classification (germline): Likely benign (1 of 4 stars; one submission).

Conditions:
Progressive sclerosing poliodystrophy (MTDPS4A). Also called: Alpers-Huttenlocher Syndrome (AHS); Alpers Syndrome; ALPERS PROGRESSIVE INFANTILE POLIODYSTROPHY; Mitochondrial DNA depletion syndrome 4A (Alpers type); ALPERS DIFFUSE DEGENERATION OF CEREBRAL GRAY MATTER WITH HEPATIC CIRRHOSIS; Alpers-Huttenlocher Syndrome. Identifiers: Orphanet 726, MedGen C0205710, MONDO:0008758, OMIM 203700.

Allele frequency attached by ClinVar (database versions not stated): TOPMed 0.00007; gnomAD exomes 0.00009 and 0.00011; ExAC 0.00016; gnomAD 0.00006 and 0.00007.
gnomAD v4.1: 132 of 1,608,890 alleles (0.0082%); highest among the groups gnomAD compares: East Asian, 0.038%; no homozygotes.

Submission:

Wong Mito Lab, Molecular and Human Genetics, Baylor College of Medicine
Classification: Likely benign for Progressive sclerosing poliodystrophy. Last evaluated: 2018-10-01. Review status: criteria provided, single submitter. Criteria: ACMG Guidelines, 2015. Collection method: clinical testing. Allele origin: germline.
Comment: The NM_002693.2:c.2982-50G>A (NP_002684.1:p.=) [GRCH38: NC_000015.10:g.89319400C>T] variant in POLG gene is interpretated to be a Likely Benign based on ACMG guidelines (PMID: 25741868). This variant meets the following evidence codes reported in the ACMG-guideline. BP4:Computational evidence/predictors indicate no impact on the POLG structure, function, or protein-protein interaction. BP6:Reputable source(s) without shared data suggest the variant is benign. Based on the evidence criteria codes applied, the variant is suggested to be Likely Benign.

NM_002693.3(POLG):c.2982-50G>A

Gene: POLG (DNA polymerase gamma, catalytic subunit; minus strand). Cytogenetic location: 15q26.1.
Variant type: single nucleotide variant.
Coding change: c.2982-50G>A on transcript NM_002693.3 (MANE Select); 50 bases into the intron before coding-DNA position 2982, G replaced by A.
Molecular consequence: intron variant.
Genome position (GRCh38, 1-based): chr15:89,319,400, C>T on the plus strand (G>A on the coding strand, the complement: POLG is on the minus strand). VCF-style: chr15-89319400-C-T. GRCh37 (hg19) VCF-style: chr15-89862631-C-T.
Other names: c.2982-50G>A (NM_001126131.2).
Identifiers: ClinVar variation 619474 (VCV000619474.1), dbSNP rs752500882, ClinGen allele CA7724296.
Genomic context (GRCh38, chr15:89,319,400, plus strand): 5'-ACAGCCGATACCTGGGGGCAGTGTTATCACCATCATTCCACGGGAGTGCTTCCTGTGCCA[C>T]GCTAGTGCCTTGGCAAGGAATGTTCACATATCACTTCAACTTTTAAAAACACTGACATCA-3'